The following is an entry in ClinVar:

ClinVar aggregate classification (germline): Conflicting classifications of pathogenicity. Review status: criteria provided, conflicting classifications (1 of 4 stars). 5 submissions from 5 submitters: Pathogenic (2); Likely pathogenic (2); Uncertain significance (1). Last evaluated 2025-05-15.

Conditions:
Trichothiodystrophy. Identifiers: Orphanet 33364, MedGen C1955934, MONDO:0018053.
Cerebrooculofacioskeletal syndrome 2 (COFS2). Identifiers: MedGen C1853102, MONDO:0012553, OMIM 610756.
Xeroderma pigmentosum, group D (XPD). Also called: ERCC2-Related Xeroderma Pigmentosum; XERODERMA PIGMENTOSUM IV; XP, GROUP D; XP, GROUP H; XERODERMA PIGMENTOSUM, COMPLEMENTATION GROUP D. Identifiers: MedGen C0268138, MONDO:0010212, OMIM 278730.
Trichothiodystrophy 1, photosensitive (TTD1). Also called: TAY SYNDROME; TRICHOTHIODYSTROPHY WITH CONGENITAL ICHTHYOSIS; PIBIDS SYNDROME. Identifiers: Orphanet 33364, MedGen C1866504, MONDO:0011125, OMIM 601675.

Allele frequency attached by ClinVar (database versions not stated): gnomAD 0.00001; gnomAD exomes 0.00001; ExAC 0.00002; TOPMed 0.00002.

Submissions (5):

Women's Health and Genetics/Laboratory Corporation of America, LabCorp
Classification: Pathogenic for Trichothiodystrophy. Last evaluated: 2025-05-15. Review status: criteria provided, single submitter. Criteria: LabCorp Variant Classification Summary - May 2015. Collection method: clinical testing. Allele origin: germline.
Comment: Variant summary: ERCC2 c.2143C>T (p.Gln715X) results in a premature termination codon, predicted to cause a truncation of the encoded protein or absence of the protein due to nonsense mediated decay, which are commonly known mechanisms for disease. The variant allele was found at a frequency of 1.2e-05 in 251276 control chromosomes. To our knowledge, no occurrence of c.2143C>T in individuals affected with Trichothiodystrophy and no experimental evidence demonstrating its impact on protein function have been reported. ClinVar contains an entry for this variant (Variation ID: 1304777). Based on the evidence outlined above, the variant was classified as pathogenic.

Fulgent Genetics
Classification: Likely pathogenic for Xeroderma pigmentosum, group D; Trichothiodystrophy 1, photosensitive; Cerebrooculofacioskeletal syndrome 2. Last evaluated: 2024-05-08. Review status: criteria provided, single submitter. Criteria: ACMG Guidelines, 2015. Collection method: clinical testing. Allele origin: germline.

Baylor Genetics
Classification: Likely pathogenic for Cerebrooculofacioskeletal syndrome 2. Last evaluated: 2023-01-24. Review status: criteria provided, single submitter. Criteria: ACMG Guidelines, 2015. Collection method: clinical testing. Allele origin: unknown.

Labcorp Genetics (formerly Invitae), Labcorp
Classification: Pathogenic. Last evaluated: 2023-01-22. Review status: criteria provided, single submitter. Criteria: Invitae Variant Classification Sherloc (09022015). Collection method: clinical testing. Allele origin: germline.
Comment: For these reasons, this variant has been classified as Pathogenic. ClinVar contains an entry for this variant (Variation ID: 1304777). This variant has not been reported in the literature in individuals affected with ERCC2-related conditions. This variant is present in population databases (rs774392894, gnomAD 0.01%). This sequence change creates a premature translational stop signal (p.Gln715*) in the ERCC2 gene. It is expected to result in an absent or disrupted protein product. Loss-of-function variants in ERCC2 are known to be pathogenic (PMID: 9238033, 11335038, 19085937, 19934020).

GeneDx
Classification: Uncertain significance. Last evaluated: 2019-06-28. Review status: criteria provided, single submitter. Criteria: GeneDx Variant Classification Process June 2021. Collection method: clinical testing. Allele origin: germline. Affected: yes.
Comment: Has not been previously published as pathogenic or benign to our knowledge; This variant is associated with the following publications: (PMID: 9771713, 29625052)

Literature cited by the submitters: PubMed 9238033 (cited by Labcorp Genetics (formerly Invitae), Labcorp); PubMed 11335038 (cited by Labcorp Genetics (formerly Invitae), Labcorp); PubMed 19085937 (cited by Labcorp Genetics (formerly Invitae), Labcorp); PubMed 19934020 (cited by Labcorp Genetics (formerly Invitae), Labcorp).

NM_000400.4(ERCC2):c.2143C>T (p.Gln715Ter)

Gene: ERCC2 (ERCC excision repair 2, TFIIH core complex helicase subunit; minus strand). Cytogenetic location: 19q13.32.
Variant type: single nucleotide variant.
Coding change: c.2143C>T on transcript NM_000400.4 (MANE Select); coding-DNA position 2143, C replaced by T.
Protein change: p.Gln715Ter; replaces glutamine 715 with a stop codon.
Molecular consequence: nonsense.
Genome position (GRCh38, 1-based): chr19:45,352,256, G>A on the plus strand (C>T on the coding strand, the complement: ERCC2 is on the minus strand). VCF-style: chr19-45352256-G-A. GRCh37 (hg19) VCF-style: chr19-45855514-G-A.
Other names: short protein forms Q715*.
Identifiers: ClinVar variation 1304777 (VCV001304777.8), dbSNP rs774392894, ClinGen allele CA9512870.